The following is an entry in ClinVar:

ClinVar aggregate classification (germline): Conflicting classifications of pathogenicity. Review status: criteria provided, conflicting classifications (1 of 4 stars). 3 submissions from 3 submitters: Uncertain significance (2); Likely benign (1). Last evaluated 2025-03-26.

Conditions:
Hereditary cancer-predisposing syndrome. Also called: Hereditary neoplastic syndrome; Tumor predisposition; Neoplastic Syndromes, Hereditary; Hereditary Cancer Syndrome. Identifiers: Orphanet 140162, MedGen C0027672, MeSH D009386, MONDO:0015356.
DICER1-related tumor predisposition. Also called: DICER1 syndrome; DICER1-related pleuropulmonary blastoma cancer predisposition syndrome. Identifiers: Orphanet 284343, MedGen C3839822, MONDO:0100216.

Allele frequency attached by ClinVar (database versions not stated): ExAC 0.00001; gnomAD exomes 0.00001; 1000 Genomes Project 30x 0.00016; 1000 Genomes Project 0.00020.
gnomAD v4.1: 10 of 1,614,144 alleles (0.00062%); highest among the groups gnomAD compares: Middle Eastern, 0.033%; no homozygotes.

Submissions (3):

Labcorp Genetics (formerly Invitae), Labcorp
Classification: Likely benign for DICER1-related tumor predisposition. Last evaluated: 2025-03-26. Review status: criteria provided, single submitter. Criteria: Invitae Variant Classification Sherloc (09022015). Collection method: clinical testing. Allele origin: germline.

Ambry Genetics
Classification: Uncertain significance for Hereditary cancer-predisposing syndrome. Last evaluated: 2022-07-19. Review status: criteria provided, single submitter. Criteria: Ambry Variant Classification Scheme 2023. Collection method: clinical testing. Allele origin: germline.
Comment: The p.G1187D variant (also known as c.3560G>A), located in coding exon 20 of the DICER1 gene, results from a G to A substitution at nucleotide position 3560. The glycine at codon 1187 is replaced by aspartic acid, an amino acid with similar properties. This amino acid position is conserved. In addition, the in silico prediction for this alteration is inconclusive. Since supporting evidence is limited at this time, the clinical significance of this alteration remains unclear.

Sema4
Classification: Uncertain significance for Hereditary cancer-predisposing syndrome. Last evaluated: 2021-08-11. Review status: criteria provided, single submitter. Criteria: Sema4 Curation Guidelines. Collection method: curation. Allele origin: germline.
Comment: The DICER1 c.3560G>A (p.G1187D) variant has not been reported in the literature to our knowledge. It was observed in 2/30616 chromosomes of the South Asian subpopulation in the large and broad cohorts of the Genome Aggregation Database (PMID: 32461654). The variant has been reported in ClinVar (Variation ID: 861464). Functional studies have not been performed, and in silico predictions of the variant's effect on protein function are inconclusive. The evidence is insufficient to meet ACMG/AMP criteria for classifying the variant as benign or pathogenic. Thus, the clinical significance of this variant is currently uncertain.

NM_177438.3(DICER1):c.3560G>A (p.Gly1187Asp)

Gene: DICER1 (dicer 1, ribonuclease III; minus strand). Cytogenetic location: 14q32.13.
Variant type: single nucleotide variant.
Coding change: c.3560G>A on transcript NM_177438.3 (MANE Select); coding-DNA position 3560, G replaced by A.
Protein change: p.Gly1187Asp; replaces glycine 1187 with aspartic acid.
Molecular consequence: missense variant.
Genome position (GRCh38, 1-based): chr14:95,103,836, C>T on the plus strand (G>A on the coding strand, the complement: DICER1 is on the minus strand). VCF-style: chr14-95103836-C-T. GRCh37 (hg19) VCF-style: chr14-95570173-C-T.
Other names: c.3560G>A, p.Gly1187Asp (NM_001195573.1, NM_001271282.3, NM_001291628.2 and 1 more transcripts); short protein forms G1187D.
Identifiers: ClinVar variation 861464 (VCV000861464.11), dbSNP rs559078811, ClinGen allele CA7331025.